The following is an entry in ClinVar:

NM_004035.7(ACOX1):c.270-5C>T

Gene: ACOX1 (acyl-CoA oxidase 1; minus strand). Cytogenetic location: 17q25.1.
Variant type: single nucleotide variant.
Coding change: c.270-5C>T on transcript NM_004035.7 (MANE Select); 5 bases into the intron before coding-DNA position 270, C replaced by T.
Molecular consequence: intron variant.
Genome position (GRCh38, 1-based): chr17:75,960,380, G>A on the plus strand (C>T on the coding strand, the complement: ACOX1 is on the minus strand). VCF-style: chr17-75960380-G-A. GRCh37 (hg19) VCF-style: chr17-73956461-G-A.
Other names: c.431-2814C>T (NM_007292.6); c.156-5C>T (NM_001185039.2); c.270-5C>T (NM_004035.6).
Identifiers: ClinVar variation 1093385 (VCV001093385.10), dbSNP rs201026132, ClinGen allele CA8777059.

ClinVar aggregate classification (germline): Likely benign. Review status: criteria provided, multiple submitters, no conflicts (2 of 4 stars). 2 submissions from 2 submitters: Likely benign (2). Last evaluated 2026-01-27.

Conditions:
Acyl-CoA oxidase deficiency. Also called: Pseudoneonatal adrenoleukodystrophy; Peroxisomal acyl-CoA oxidase deficiency; STRAIGHT-CHAIN ACYL-CoA OXIDASE DEFICIENCY. Identifiers: Orphanet 2971, MedGen C1849678, MONDO:0009919, OMIM 264470. Disease mechanism: loss of function.
ACOX1-related disorder. Also called: ACOX1-related disorders; ACOX1-related condition.

Allele frequency attached by ClinVar (database versions not stated): ExAC 0.00002; gnomAD exomes 0.00002 and 0.00006; gnomAD 0.00007; TOPMed 0.00007.
gnomAD v4.1: 106 of 1,613,096 alleles (0.0066%); highest among the groups gnomAD compares: Non-Finnish European, 0.0083%; no homozygotes.

Submissions (2):

Labcorp Genetics (formerly Invitae), Labcorp
Classification: Likely benign for Acyl-CoA oxidase deficiency. Last evaluated: 2026-01-27. Review status: criteria provided, single submitter. Criteria: Invitae Variant Classification Sherloc (09022015). Collection method: clinical testing. Allele origin: germline.

PreventionGenetics, part of Exact Sciences
Classification: Likely benign for ACOX1-related condition. Last evaluated: 2025-04-18. Review status: criteria provided, single submitter. Criteria: ACMG Guidelines, 2015. Collection method: clinical testing. Allele origin: germline.
Comment: This variant is classified as likely benign based on ACMG/AMP sequence variant interpretation guidelines (Richards et al. 2015 PMID: 25741868, with internal and published modifications).